The following is an entry in ClinVar:

ClinVar aggregate classification (germline): Uncertain significance. Review status: criteria provided, multiple submitters, no conflicts (2 of 4 stars). 6 submissions from 6 submitters: Uncertain significance (5). 1 of the submissions does not count toward it. Last evaluated 2024-12-03.

Conditions:
Retinal dystrophy. Also called: Inherited retinal dystrophy. Identifiers: Orphanet 71862, MedGen C0854723, MeSH D058499, MONDO:0019118, HP:0000556.
Retinitis pigmentosa (RP). Identifiers: Orphanet 791, MedGen C0035334, MeSH D012174, MONDO:0019200, OMIM 268000. Inheritance: Autosomal dominant, autosomal recessive and X linked inheritance.
Retinitis pigmentosa 25 (RP25). Identifiers: Orphanet 791, MedGen C1864446, MONDO:0011272, OMIM 602772.

Allele frequency attached by ClinVar (database versions not stated): gnomAD exomes 0.00027; TOPMed 0.00028; gnomAD 0.00030 and 0.00031; ExAC 0.00009.
gnomAD v4.1: 500 of 1,551,816 alleles (0.032%); highest among the groups gnomAD compares: Admixed American, 0.061%; no homozygotes.

Submissions (6):

Labcorp Genetics (formerly Invitae), Labcorp
Classification: Uncertain significance. Last evaluated: 2024-12-03. Review status: criteria provided, single submitter. Criteria: Invitae Variant Classification Sherloc (09022015). Collection method: clinical testing. Allele origin: germline.
Comment: This sequence change replaces aspartic acid, which is acidic and polar, with glycine, which is neutral and non-polar, at codon 2930 of the EYS protein (p.Asp2930Gly). This variant is present in population databases (rs201690244, gnomAD 0.06%). This variant has not been reported in the literature in individuals affected with EYS-related conditions. ClinVar contains an entry for this variant (Variation ID: 281710). An algorithm developed to predict the effect of missense changes on protein structure and function outputs the following: PolyPhen-2: "Benign". The glycine amino acid residue is found in multiple mammalian species, which suggests that this missense change does not adversely affect protein function. In summary, the available evidence is currently insufficient to determine the role of this variant in disease. Therefore, it has been classified as a Variant of Uncertain Significance.

Blueprint Genetics
Classification: Uncertain significance. Last evaluated: 2024-11-21. Review status: criteria provided, single submitter. Criteria: ACMG Guidelines, 2015. Collection method: clinical testing. Allele origin: germline.

Dept Of Ophthalmology, Nagoya University
Classification: Uncertain significance for Retinal dystrophy. Last evaluated: 2023-10-01. Review status: criteria provided, single submitter. Criteria: Submitter's publication. Collection method: research. Allele origin: germline. Affected: yes.

Revvity Omics, Revvity
Classification: Uncertain significance for Retinitis pigmentosa 25. Last evaluated: 2019-08-17. Review status: criteria provided, single submitter. Criteria: ACMG Guidelines, 2015. Collection method: clinical testing. Allele origin: germline.

Eurofins Ntd Llc (ga)
Classification: Uncertain significance. Last evaluated: 2015-07-14. Review status: criteria provided, single submitter. Criteria: EGL Classification Definitions 2015. Collection method: clinical testing. Allele origin: germline. Observed: 1 variant allele, 1 heterozygote.

Natera, Inc.
Classification: Uncertain significance for Retinitis pigmentosa. Last evaluated: 2020-04-16. Review status: no assertion criteria provided. Collection method: clinical testing. Allele origin: germline. Not counted in ClinVar's aggregate classification.

NM_001142800.2(EYS):c.8789A>G (p.Asp2930Gly)

Genes: EYS (EGF-like photoreceptor maintenance factor; minus strand), PHF3 (PHD finger protein 3; plus strand). Cytogenetic location: 6q12.
Variant type: single nucleotide variant.
Coding change: c.8789A>G on transcript NM_001142800.2 (MANE Select); coding-DNA position 8789, A replaced by G.
Protein change: p.Asp2930Gly; replaces aspartic acid 2930 with glycine.
Molecular consequence: missense variant. On other transcripts: 3 prime UTR variant (5).
Genome position (GRCh38, 1-based): chr6:63,721,242, T>C on the plus strand (A>G on the coding strand, the complement: EYS is on the minus strand). VCF-style: chr6-63721242-T-C. GRCh37 (hg19) VCF-style: chr6-64431138-T-C.
Other names: c.*7534T>C (NM_001290259.2, NM_001370348.2, NM_001370349.2 and 2 more transcripts); c.8852A>G, p.Asp2951Gly (NM_001292009.2); short protein forms D2930G, D2951G.
Identifiers: ClinVar variation 281710 (VCV000281710.19), dbSNP rs201690244, ClinGen allele CA3876692.